The following is an entry in ClinVar:

NM_000179.3(MSH6):c.713C>G (p.Ser238Cys)

Gene: MSH6 (mutS homolog 6; plus strand). Cytogenetic location: 2p16.3.
Variant type: single nucleotide variant.
Coding change: c.713C>G on transcript NM_000179.3 (MANE Select); coding-DNA position 713, C replaced by G.
Protein change: p.Ser238Cys; replaces serine 238 with cysteine.
Molecular consequence: missense variant. On other transcripts: 5 prime UTR variant (2).
Genome position (GRCh38, 1-based): chr2:47,798,696, C>G. VCF-style: chr2-47798696-C-G. GRCh37 (hg19) VCF-style: chr2-48025835-C-G.
Other names: c.323C>G, p.Ser108Cys (NM_001281492.2); c.-194C>G (NM_001281493.2, NM_001281494.2); short protein forms S238C, S108C.
Identifiers: ClinVar variation 630831 (VCV000630831.15), dbSNP rs587782510, ClinGen allele CA346739996.

ClinVar aggregate classification (germline): Uncertain significance. Review status: criteria provided, multiple submitters, no conflicts (2 of 4 stars). 3 submissions from 3 submitters: Uncertain significance (3). Last evaluated 2026-07-07.

Conditions:
Hereditary nonpolyposis colorectal neoplasms. Identifiers: MedGen C0009405, MeSH D003123.
Hereditary cancer-predisposing syndrome. Also called: Neoplastic Syndromes, Hereditary; Hereditary Cancer Syndrome; Hereditary neoplastic syndrome; Tumor predisposition. Identifiers: Orphanet 140162, MedGen C0027672, MeSH D009386, MONDO:0015356.

Submissions (3):

Ambry Genetics
Classification: Uncertain significance for Hereditary cancer-predisposing syndrome. Last evaluated: 2026-07-07. Review status: criteria provided, single submitter. Criteria: Ambry Variant Classification Scheme 2023. Collection method: clinical testing. Allele origin: germline.
Comment: The p.S238C variant (also known as c.713C>G), located in coding exon 4 of the MSH6 gene, results from a C to G substitution at nucleotide position 713. The serine at codon 238 is replaced by cysteine, an amino acid with dissimilar properties. This amino acid position is conserved. In addition, this alteration is predicted to be tolerated by in silico analysis. Based on the available evidence, the clinical significance of this variant remains unclear.

Labcorp Genetics (formerly Invitae), Labcorp
Classification: Uncertain significance for Hereditary nonpolyposis colorectal neoplasms. Last evaluated: 2022-12-06. Review status: criteria provided, single submitter. Criteria: Invitae Variant Classification Sherloc (09022015). Collection method: clinical testing. Allele origin: germline.
Comment: ClinVar contains an entry for this variant (Variation ID: 630831). In summary, the available evidence is currently insufficient to determine the role of this variant in disease. Therefore, it has been classified as a Variant of Uncertain Significance. Advanced modeling of protein sequence and biophysical properties (such as structural, functional, and spatial information, amino acid conservation, physicochemical variation, residue mobility, and thermodynamic stability) performed at Invitae indicates that this missense variant is not expected to disrupt MSH6 protein function. This variant has not been reported in the literature in individuals affected with MSH6-related conditions. This variant is not present in population databases (gnomAD no frequency). This sequence change replaces serine, which is neutral and polar, with cysteine, which is neutral and slightly polar, at codon 238 of the MSH6 protein (p.Ser238Cys).

Color Diagnostics, LLC DBA Color Health
Classification: Uncertain significance for Hereditary cancer-predisposing syndrome. Last evaluated: 2018-11-25. Review status: criteria provided, single submitter. Criteria: ACMG Guidelines, 2015. Collection method: clinical testing. Allele origin: germline.